The following is an entry in ClinVar:

NM_001113378.2(FANCI):c.3236C>T (p.Thr1079Met)

Gene: FANCI (FA complementation group I; plus strand). Cytogenetic location: 15q26.1.
Variant type: single nucleotide variant.
Coding change: c.3236C>T on transcript NM_001113378.2 (MANE Select); coding-DNA position 3236, C replaced by T.
Protein change: p.Thr1079Met; replaces threonine 1079 with methionine.
Molecular consequence: missense variant.
Genome position (GRCh38, 1-based): chr15:89,305,390, C>T. VCF-style: chr15-89305390-C-T. GRCh37 (hg19) VCF-style: chr15-89848621-C-T.
Other names: c.2957C>T, p.Thr986Met (NM_001376910.1); c.3236C>T, p.Thr1079Met (NM_001376911.1); c.3056C>T, p.Thr1019Met (NM_018193.3); short protein forms T1079M, T1019M, T986M.
Identifiers: ClinVar variation 238321 (VCV000238321.18), dbSNP rs191202700, ClinGen allele CA7723642.

ClinVar aggregate classification (germline): Conflicting classifications of pathogenicity. Review status: criteria provided, conflicting classifications (1 of 4 stars). 4 submissions from 4 submitters: Uncertain significance (2); Likely benign (1). 1 of the submissions does not count toward it. Last evaluated 2026-02-01.

Conditions:
FANCI-related disorder. Also called: FANCI-related condition.
Fanconi anemia (FA). Also called: Fanconi's anemia. Identifiers: Orphanet 84, MedGen C0015625, MeSH D005199, MONDO:0019391.
Fanconi anemia complementation group I (FANCI). Also called: FANCI-Related Fanconi Anemia. Identifiers: Orphanet 84, MedGen C1836861, MONDO:0012186, OMIM 609053.

Allele frequency attached by ClinVar (database versions not stated): TOPMed 0.00026; ExAC 0.00030; gnomAD exomes 0.00031 and 0.00009; 1000 Genomes Project 0.00040; 1000 Genomes Project 30x 0.00062; gnomAD 0.00022 and 0.00023.
gnomAD v4.1: 168 of 1,613,676 alleles (0.01%); highest among the groups gnomAD compares: East Asian, 0.17%; no homozygotes.

Submissions (4):

Labcorp Genetics (formerly Invitae), Labcorp
Classification: Likely benign for Fanconi anemia. Last evaluated: 2026-02-01. Review status: criteria provided, single submitter. Criteria: Invitae Variant Classification Sherloc (09022015). Collection method: clinical testing. Allele origin: germline.

Blueprint Genetics
Classification: Uncertain significance. Last evaluated: 2024-07-04. Review status: criteria provided, single submitter. Criteria: ACMG Guidelines, 2015. Collection method: clinical testing. Allele origin: germline.

Illumina Laboratory Services, Illumina
Classification: Uncertain significance for Fanconi anemia complementation group I. Last evaluated: 2018-01-13. Review status: criteria provided, single submitter. Criteria: ICSL Variant Classification Criteria 13 December 2019. Collection method: clinical testing. Allele origin: germline.

PreventionGenetics, part of Exact Sciences
Classification: Likely benign for FANCI-related condition. Last evaluated: 2023-03-14. Review status: no assertion criteria provided. Collection method: clinical testing. Allele origin: germline. Not counted in ClinVar's aggregate classification.
Comment: This variant is classified as likely benign based on ACMG/AMP sequence variant interpretation guidelines (Richards et al. 2015 PMID: 25741868, with internal and published modifications).